The following is an entry in ClinVar:

NM_001849.4(COL6A2):c.1967C>T (p.Thr656Ile)

Gene: COL6A2 (collagen type VI alpha 2 chain; plus strand). Cytogenetic location: 21q22.3.
Variant type: single nucleotide variant.
Coding change: c.1967C>T on transcript NM_001849.4 (MANE Select); coding-DNA position 1967, C replaced by T.
Protein change: p.Thr656Ile; replaces threonine 656 with isoleucine.
Molecular consequence: missense variant.
Genome position (GRCh38, 1-based): chr21:46,125,615, C>T. VCF-style: chr21-46125615-C-T. GRCh37 (hg19) VCF-style: chr21-47545529-C-T.
Other names: c.1967C>T, p.Thr656Ile (NM_058174.3, NM_058175.3); short protein forms T656I.
Identifiers: ClinVar variation 596551 (VCV000596551.19), dbSNP rs371386355, ClinGen allele CA10072349.

ClinVar aggregate classification (germline): Uncertain significance. Review status: criteria provided, multiple submitters, no conflicts (2 of 4 stars). 5 submissions from 5 submitters: Uncertain significance (5). Last evaluated 2025-05-06.

Conditions:
Bethlem myopathy 1A. Also called: Bethlem Muscular Dystrophy; Bethlem myopathy 1; MYOPATHY, BENIGN CONGENITAL, WITH CONTRACTURES. Identifiers: Orphanet 610, MedGen CN029274, MONDO:0024530, OMIM 158810.

Allele frequency attached by ClinVar (database versions not stated): TOPMed 0.00014; ESP Exome Variant Server 0.00015; gnomAD 0.00017 and 0.00013; gnomAD exomes 0.00001 and 0.00005; ExAC 0.00005.
gnomAD v4.1: 44 of 1,611,822 alleles (0.0027%); highest among the groups gnomAD compares: African/African-American, 0.041%; no homozygotes.

Submissions (5):

Labcorp Genetics (formerly Invitae), Labcorp
Classification: Uncertain significance for Bethlem myopathy 1A. Last evaluated: 2025-05-06. Review status: criteria provided, single submitter. Criteria: Invitae Variant Classification Sherloc (09022015). Collection method: clinical testing. Allele origin: germline.
Comment: This sequence change replaces threonine, which is neutral and polar, with isoleucine, which is neutral and non-polar, at codon 656 of the COL6A2 protein (p.Thr656Ile). This variant is present in population databases (rs371386355, gnomAD 0.05%). This variant has not been reported in the literature in individuals affected with COL6A2-related conditions. ClinVar contains an entry for this variant (Variation ID: 596551). An algorithm developed to predict the effect of missense changes on protein structure and function (PolyPhen-2) suggests that this variant is likely to be disruptive. In summary, the available evidence is currently insufficient to determine the role of this variant in disease. Therefore, it has been classified as a Variant of Uncertain Significance.

Women's Health and Genetics/Laboratory Corporation of America, LabCorp
Classification: Uncertain significance. Last evaluated: 2024-06-25. Review status: criteria provided, single submitter. Criteria: LabCorp Variant Classification Summary - May 2015. Collection method: clinical testing. Allele origin: germline.
Comment: Variant summary: COL6A2 c.1967C>T (p.Thr656Ile) results in a non-conservative amino acid change in the encoded protein sequence. Three of five in-silico tools predict a damaging effect of the variant on protein function. Several computational tools predict a significant impact on normal splicing: One predict the variant no significant impact on splicing. Three predict the variant weakens a 5' donor site. However, these predictions have yet to be confirmed by functional studies. The variant allele was found at a frequency of 4.8e-05 in 248258 control chromosomes (gnomAD). This frequency is not significantly higher than estimated for a pathogenic variant in COL6A2 causing Collagen Type VI-Related Disorders, allowing no conclusion about variant significance. To our knowledge, no occurrence of c.1967C>T in individuals affected with Collagen Type VI-Related Disorders and no experimental evidence demonstrating its impact on protein function have been reported. ClinVar contains an entry for this variant (Variation ID: 596551). Based on the evidence outlined above, the variant was classified as uncertain significance.

Revvity Omics, Revvity
Classification: Uncertain significance. Last evaluated: 2019-06-03. Review status: criteria provided, single submitter. Criteria: ACMG Guidelines, 2015. Collection method: clinical testing. Allele origin: germline.

Eurofins Ntd Llc (ga)
Classification: Uncertain significance. Last evaluated: 2018-03-23. Review status: criteria provided, single submitter. Criteria: EGL ClinVar v180209 classification definitions. Collection method: clinical testing. Allele origin: germline. Observed: 2 variant alleles, 2 heterozygotes.

Breakthrough Genomics
Classification: Uncertain significance. Review status: criteria provided, single submitter. Criteria: ACMG Guidelines, 2015. Collection method: not provided. Allele origin: germline. Inheritance: Autosomal dominant inheritance. Affected: yes.